The following is an entry in ClinVar:

ClinVar aggregate classification (germline): Likely benign (0 of 4 stars; one submission).

Conditions:
MYH9-related disorder. Identifiers: MedGen C1854520.

Submission:

PreventionGenetics, part of Exact Sciences
Classification: Likely benign for MYH9-related condition. Last evaluated: 2024-04-23. Review status: no assertion criteria provided. Collection method: clinical testing. Allele origin: germline.
Comment: This variant is classified as likely benign based on ACMG/AMP sequence variant interpretation guidelines (Richards et al. 2015 PMID: 25741868, with internal and published modifications).

NM_002473.6(MYH9):c.3897C>T (p.Leu1299=)

Gene: MYH9 (myosin heavy chain 9; minus strand). Cytogenetic location: 22q12.3.
Variant type: single nucleotide variant.
Coding change: c.3897C>T on transcript NM_002473.6 (MANE Select); coding-DNA position 3897, C replaced by T.
Protein change: p.Leu1299=; no amino-acid change (leucine 1299 retained).
Molecular consequence: synonymous variant.
Genome position (GRCh38, 1-based): chr22:36,293,804, G>A on the plus strand (C>T on the coding strand, the complement: MYH9 is on the minus strand). VCF-style: chr22-36293804-G-A. GRCh37 (hg19) VCF-style: chr22-36689850-G-A.
Identifiers: ClinVar variation 3345738 (VCV003345738.1).
Genomic context (GRCh38, chr22:36,293,804, plus strand): 5'-TGGCGCCACCCCTACCTGAGTGTCCTGCAGCTGGGACTCCAGCGCGGAGAAGTCCTTGGT[G>A]AGCTTGCTGGACTTGCTGTCGGACTGGCTGAGAAGCCCGGTCACGTTGTCCAGCTCCACC-3'
Protein context (NP_002464.1, residues 1289-1309): LSQSDSKSSK[Leu1299=]TKDFSALESQ